The following is an entry in ClinVar:

ClinVar aggregate classification (germline): Uncertain significance (1 of 4 stars; one submission).

Allele frequency attached by ClinVar (database versions not stated): gnomAD exomes 0.00001.

Submission:

Labcorp Genetics (formerly Invitae), Labcorp
Classification: Uncertain significance. Last evaluated: 2025-02-17. Review status: criteria provided, single submitter. Criteria: Invitae Variant Classification Sherloc (09022015). Collection method: clinical testing. Allele origin: germline.
Comment: This sequence change creates a premature translational stop signal (p.His674Metfs*8) in the LCA5 gene. While this is not anticipated to result in nonsense mediated decay, it is expected to disrupt the last 24 amino acid(s) of the LCA5 protein. This variant is not present in population databases (gnomAD no frequency). This variant has not been reported in the literature in individuals affected with LCA5-related conditions. ClinVar contains an entry for this variant (Variation ID: 844047). Experimental studies and prediction algorithms are not available or were not evaluated, and the functional significance of this variant is currently unknown. In summary, the available evidence is currently insufficient to determine the role of this variant in disease. Therefore, it has been classified as a Variant of Uncertain Significance.

NM_001122769.3(LCA5):c.2020del (p.His674fs)

Gene: LCA5 (lebercilin LCA5; minus strand). Cytogenetic location: 6q14.1.
Variant type: Deletion.
Coding change: c.2020del on transcript NM_001122769.3 (MANE Select); coding-DNA position 2020, one base deleted (C; older notation c.2020delC).
Protein change: p.His674fs; shifts the reading frame from histidine 674.
Molecular consequence: frameshift variant.
Genome position (GRCh38, 1-based): chr6:79,487,078, G deleted on the plus strand (C on the coding strand, the reverse complement: LCA5 is on the minus strand). VCF-style (leftmost placement, unchanged base first): chr6-79487077-TG-T. GRCh37 (hg19) VCF-style: chr6-80196794-TG-T.
Other names: c.2020del, p.His674fs (NM_181714.4); short protein forms H674fs.
Identifiers: ClinVar variation 844047 (VCV000844047.7), dbSNP rs1769680919, ClinGen allele CA916082884.